The following is an entry in ClinVar:

NM_031206.7(LAS1L):c.1928-6C>T

Gene: LAS1L (LAS1 like ribosome biogenesis factor; minus strand). Cytogenetic location: Xq12.
Variant type: single nucleotide variant.
Coding change: c.1928-6C>T on transcript NM_031206.7 (MANE Select); 6 bases into the intron before coding-DNA position 1928, C replaced by T.
Molecular consequence: intron variant.
Genome position (GRCh38, 1-based): chrX:65,514,979, G>A on the plus strand (C>T on the coding strand, the complement: LAS1L is on the minus strand). VCF-style: chrX-65514979-G-A. GRCh37 (hg19) VCF-style: chrX-64734859-G-A.
Other names: c.1751-6C>T (NM_001170650.2); c.971-6C>T (NM_001375332.1); c.1877-9C>T (NM_001375333.1); c.1877-6C>T (NM_001170649.2); c.1928-9C>T (NM_001375328.1).
Identifiers: ClinVar variation 3670098 (VCV003670098.4).
Genomic context (GRCh38, chrX:65,514,979, plus strand): 5'-TCCTCGGTCTGACCTGGCATTCGGCCTAGGGGAAATGTGTCCCATCGCACGTCTTCTGTG[G>A]AGCAAAGGGAAGTGGCAAGACTGGGCTGATGAGCTGGTTCTCCGACTGGTGCACAGGCCT-3'

ClinVar aggregate classification (germline): Likely benign. Review status: criteria provided, multiple submitters, no conflicts (2 of 4 stars). 2 submissions from 2 submitters: Likely benign (2). Last evaluated 2026-06-01.

Conditions:
Wilson-Turner syndrome (WTS). Also called: MENTAL RETARDATION, X-LINKED, SYNDROMIC 6; INTELLECTUAL DEVELOPMENTAL DISORDER, X-LINKED, SYNDROMIC, WILSON-TURNER TYPE. Identifiers: Orphanet 3459, MedGen C1839736, MONDO:0010665, OMIM 309585.

gnomAD v4.1: 9 of 1,203,685 alleles (0.00075%); highest among the groups gnomAD compares: Admixed American, 0.0088%; no homozygotes.

Submissions (2):

CeGaT Center for Human Genetics Tuebingen
Classification: Likely benign. Last evaluated: 2026-06-01. Review status: criteria provided, single submitter. Criteria: CeGaT Center For Human Genetics Tuebingen Variant Classification Criteria Version 2. Collection method: clinical testing. Allele origin: germline. Affected: yes. Observed: 1 variant allele.
Comment: LAS1L: BP4, BS2

Labcorp Genetics (formerly Invitae), Labcorp
Classification: Likely benign for Wilson-Turner syndrome. Last evaluated: 2025-02-05. Review status: criteria provided, single submitter. Criteria: Invitae Variant Classification Sherloc (09022015). Collection method: clinical testing. Allele origin: germline.